The following is an entry in ClinVar:

ClinVar aggregate classification (germline): Uncertain significance (1 of 4 stars; one submission).

Conditions:
Cardiovascular phenotype. Identifiers: MedGen CN230736.

Submission:

Ambry Genetics
Classification: Uncertain significance for Cardiovascular phenotype. Last evaluated: 2025-04-02. Review status: criteria provided, single submitter. Criteria: Ambry Variant Classification Scheme 2023. Collection method: clinical testing. Allele origin: germline.
Comment: The p.D2214V variant (also known as c.6641A>T), located in coding exon 48 of the ABCA1 gene, results from an A to T substitution at nucleotide position 6641. The aspartic acid at codon 2214 is replaced by valine, an amino acid with highly dissimilar properties. This amino acid position is conserved. In addition, this alteration is predicted to be deleterious by in silico analysis. Based on the available evidence, the clinical significance of this variant remains unclear.

NM_005502.4(ABCA1):c.6641A>T (p.Asp2214Val)

Genes: ABCA1 (ATP binding cassette subfamily A member 1; minus strand), NIPSNAP3B (nipsnap homolog 3B; plus strand). Cytogenetic location: 9q31.1.
Variant type: single nucleotide variant.
Coding change: c.6641A>T on transcript NM_005502.4 (MANE Select); coding-DNA position 6641, A replaced by T.
Protein change: p.Asp2214Val; replaces aspartic acid 2214 with valine.
Molecular consequence: missense variant.
Genome position (GRCh38, 1-based): chr9:104,785,400, T>A on the plus strand (A>T on the coding strand, the complement: ABCA1 is on the minus strand). VCF-style: chr9-104785400-T-A. GRCh37 (hg19) VCF-style: chr9-107547681-T-A.
Other names: short protein forms D2214V.
Identifiers: ClinVar variation 3935001 (VCV003935001.1).